The following is an entry in ClinVar:

NC_000016.9:g.(?_57684190)_(57685544_?)del

Gene: ADGRG1 (adhesion G protein-coupled receptor G1; plus strand). Cytogenetic location: 16q21.
Variant type: Deletion.
Identifiers: ClinVar variation 1455281 (VCV001455281.3).

ClinVar aggregate classification (germline): Pathogenic (1 of 4 stars; one submission).

Submission:

Labcorp Genetics (formerly Invitae), Labcorp
Classification: Pathogenic. Last evaluated: 2020-11-02. Review status: criteria provided, single submitter. Criteria: Invitae Variant Classification Sherloc (09022015). Collection method: clinical testing. Allele origin: germline.
Comment: This variant is a gross deletion of the genomic region encompassing exon(s) 3-4 of the ADGRG1 gene, which includes the initiator codon. The 5' end of this event is unknown as it extends beyond the assayed region for this gene and therefore may encompass additional genes. The 3' boundary is likely confined to intron 4 of the ADGRG1 gene. It is expected to result in an absent or disrupted protein product. Loss-of-function variants in ADGRG1 are known to be pathogenic (PMID: 15044805, 20929962). This variant has not been reported in the literature in individuals with ADGRG1-related conditions. For these reasons, this variant has been classified as Pathogenic.

Literature cited by the submitters: PubMed 15044805; PubMed 20929962.